The following is an entry in ClinVar:

ClinVar aggregate classification (germline): Uncertain significance (1 of 4 stars; one submission).

Conditions:
Hereditary cancer-predisposing syndrome. Also called: Neoplastic Syndromes, Hereditary; Tumor predisposition; Hereditary neoplastic syndrome; Hereditary Cancer Syndrome. Identifiers: Orphanet 140162, MedGen C0027672, MeSH D009386, MONDO:0015356.

gnomAD v4.1: 1 of 1,606,774 alleles (0.000062%); highest among the groups gnomAD compares: Non-Finnish European, 0.000085%; no homozygotes.

Submission:

Ambry Genetics
Classification: Uncertain significance for Hereditary cancer-predisposing syndrome. Last evaluated: 2025-05-24. Review status: criteria provided, single submitter. Criteria: Ambry Variant Classification Scheme 2023. Collection method: clinical testing. Allele origin: germline.
Comment: The p.A145E variant (also known as c.434C>A), located in coding exon 4 of the MITF gene, results from a C to A substitution at nucleotide position 434. The alanine at codon 145 is replaced by glutamic acid, an amino acid with dissimilar properties. This amino acid position is conserved. In addition, this alteration is predicted to be tolerated by in silico analysis. Based on the available evidence, the clinical significance of this variant remains unclear.

NM_001354604.2(MITF):c.755C>A (p.Ala252Glu)

Gene: MITF (melanocyte inducing transcription factor; plus strand). Cytogenetic location: 3p13.
Variant type: single nucleotide variant.
Coding change: c.755C>A on transcript NM_001354604.2 (MANE Select); coding-DNA position 755, C replaced by A.
Protein change: p.Ala252Glu; replaces alanine 252 with glutamic acid.
Molecular consequence: missense variant.
Genome position (GRCh38, 1-based): chr3:69,941,324, C>A. VCF-style: chr3-69941324-C-A. GRCh37 (hg19) VCF-style: chr3-69990475-C-A.
Other names: c.434C>A, p.Ala145Glu (NM_000248.4, NM_198158.3); c.599C>A, p.Ala200Glu (NM_001184967.2, NM_001354608.2); c.752C>A, p.Ala251Glu (NM_001354605.2, NM_001354606.2, NM_006722.3); c.704C>A, p.Ala235Glu (NM_001354607.2); c.755C>A, p.Ala252Glu (NM_198159.3); c.707C>A, p.Ala236Glu (NM_198177.3); c.266C>A, p.Ala89Glu (NM_198178.3); short protein forms A145E, A236E, A200E, A235E, A252E, A89E, A251E.
Identifiers: ClinVar variation 4055213 (VCV004055213.1).
Genomic context (GRCh38, chr3:69,941,324, plus strand): 5'-GCCTAGAATCAAGTTATAATGAGGAAATCTTGGGCTTGATGGATCCTGCTTTGCAAATGG[C>A]AAATACGGTATTGATAACCTTTTTTTAAGTAGAAAATCTTGAGGTGTTTCCAGGGTTCTT-3'
Protein context (NP_001341533.1, residues 242-262): LGLMDPALQM[Ala252Glu]NTLPVSGNLI